The following is an entry in ClinVar:

NM_004484.4(GPC3):c.944A>T (p.Asp315Val)

Gene: GPC3 (glypican 3; minus strand). Cytogenetic location: Xq26.2.
Variant type: single nucleotide variant.
Coding change: c.944A>T on transcript NM_004484.4 (MANE Select); coding-DNA position 944, A replaced by T.
Protein change: p.Asp315Val; replaces aspartic acid 315 with valine.
Molecular consequence: missense variant.
Genome position (GRCh38, 1-based): chrX:133,753,570, T>A on the plus strand (A>T on the coding strand, the complement: GPC3 is on the minus strand). VCF-style: chrX-133753570-T-A. GRCh37 (hg19) VCF-style: chrX-132887597-T-A.
Other names: c.944A>T, p.Asp315Val (NM_001164617.2); c.896A>T, p.Asp299Val (NM_001164618.2); c.782A>T, p.Asp261Val (NM_001164619.2); short protein forms D261V, D299V, D315V.
Identifiers: ClinVar variation 5019505 (VCV005019505.2).
Genomic context (GRCh38, chrX:133,753,570, plus strand): 5'-TGGACATACTGGATAGAATCATGGATTGTTGAAAAGAGACCAAGCAGTACGTTCTCCATG[T>A]CATAGATTCTGTACATGCCATTCACAAGTTCTTCAAGGGACAGAATGTATTCTCTCCAGT-3'
Protein context (NP_004475.1, residues 305-325): ELVNGMYRIY[Asp315Val]MENVLLGLFS

ClinVar aggregate classification (germline): Uncertain significance (1 of 4 stars; one submission).

Conditions:
Simpson-Golabi-Behmel syndrome type 1 (SGBS1). Also called: GPC3-Related Simpson-Golabi-Behmel Syndrome Type 1; GOLABI-ROSEN SYNDROME; SIMPSON DYSMORPHIA SYNDROME; BULLDOG SYNDROME; DYSPLASIA GIGANTISM SYNDROME, X-LINKED. Identifiers: Orphanet 373, MedGen C0796154, MONDO:0020602, OMIM 312870.
Wilms tumor 1 (WT1). Also called: Wilms tumor, somatic. Identifiers: Orphanet 654, MedGen CN033288, MONDO:0008679, OMIM 194070.

Submission:

Juno Genomics, Hangzhou Juno Genomics, Inc
Classification: Uncertain significance for Wilms tumor 1; Simpson-Golabi-Behmel syndrome type 1. Review status: criteria provided, single submitter. Criteria: ACMG Guidelines, 2015. Collection method: clinical testing. Allele origin: germline.
Comment: Absent from controls (or at extremely low frequency if recessive) in Genome Aggregation Database.;Multiple lines of computational evidence support a deleterious effect on the gene or gene product.